The following is an entry in ClinVar:

NM_000238.4(KCNH2):c.2804C>A (p.Pro935His)

Gene: KCNH2 (potassium voltage-gated channel subfamily H member 2; minus strand). Cytogenetic location: 7q36.1.
Variant type: single nucleotide variant.
Coding change: c.2804C>A on transcript NM_000238.4 (MANE Select); coding-DNA position 2804, C replaced by A.
Protein change: p.Pro935His; replaces proline 935 with histidine.
Molecular consequence: missense variant.
Genome position (GRCh38, 1-based): chr7:150,947,767, G>T on the plus strand (C>A on the coding strand, the complement: KCNH2 is on the minus strand). VCF-style: chr7-150947767-G-T. GRCh37 (hg19) VCF-style: chr7-150644855-G-T.
Other names: c.2516C>A, p.Pro839His (NM_001406753.1); c.1784C>A, p.Pro595His (NM_172057.3); short protein forms P935H, P839H, P595H.
Identifiers: ClinVar variation 2976301 (VCV002976301.3), dbSNP rs2486007592, ClinGen allele CA369853369.

ClinVar aggregate classification (germline): Uncertain significance (1 of 4 stars; one submission).

Conditions:
Long QT syndrome (LQTS). Identifiers: MedGen C0023976, MeSH D008133, MONDO:0002442. Disease mechanism: loss of function. Inheritance: Various modes of inheritance.

gnomAD v4.1: 5 of 1,540,570 alleles (0.00032%); highest among the groups gnomAD compares: Non-Finnish European, 0.00044%; no homozygotes.

Submission:

Labcorp Genetics (formerly Invitae), Labcorp
Classification: Uncertain significance for Long QT syndrome. Last evaluated: 2023-11-14. Review status: criteria provided, single submitter. Criteria: Invitae Variant Classification Sherloc (09022015). Collection method: clinical testing. Allele origin: germline.
Comment: This sequence change replaces proline, which is neutral and non-polar, with histidine, which is basic and polar, at codon 935 of the KCNH2 protein (p.Pro935His). This variant is not present in population databases (gnomAD no frequency). This variant has not been reported in the literature in individuals affected with KCNH2-related conditions. An algorithm developed to predict the effect of missense changes on protein structure and function (PolyPhen-2) suggests that this variant is likely to be disruptive. In summary, the available evidence is currently insufficient to determine the role of this variant in disease. Therefore, it has been classified as a Variant of Uncertain Significance.